The following is an entry in ClinVar:

ClinVar aggregate classification (germline): Uncertain significance (1 of 4 stars; one submission).

Submission:

Labcorp Genetics (formerly Invitae), Labcorp
Classification: Uncertain significance. Last evaluated: 2024-04-30. Review status: criteria provided, single submitter. Criteria: Invitae Variant Classification Sherloc (09022015). Collection method: clinical testing. Allele origin: germline.
Comment: This sequence change replaces lysine, which is basic and polar, with threonine, which is neutral and polar, at codon 371 of the FH protein (p.Lys371Thr). This variant is not present in population databases (gnomAD no frequency). This variant has not been reported in the literature in individuals affected with FH-related conditions. Advanced modeling of protein sequence and biophysical properties (such as structural, functional, and spatial information, amino acid conservation, physicochemical variation, residue mobility, and thermodynamic stability) performed at Invitae indicates that this missense variant is expected to disrupt FH protein function with a positive predictive value of 95%. In summary, the available evidence is currently insufficient to determine the role of this variant in disease. Therefore, it has been classified as a Variant of Uncertain Significance.

NM_000143.4(FH):c.1112A>C (p.Lys371Thr)

Gene: FH (fumarate hydratase; minus strand). Cytogenetic location: 1q43.
Variant type: single nucleotide variant.
Coding change: c.1112A>C on transcript NM_000143.4 (MANE Select); coding-DNA position 1112, A replaced by C.
Protein change: p.Lys371Thr; replaces lysine 371 with threonine.
Molecular consequence: missense variant.
Genome position (GRCh38, 1-based): chr1:241,502,567, T>G on the plus strand (A>C on the coding strand, the complement: FH is on the minus strand). VCF-style: chr1-241502567-T-G. GRCh37 (hg19) VCF-style: chr1-241665867-T-G.
Other names: short protein forms K371T.
Identifiers: ClinVar variation 3651609 (VCV003651609.2).